The following is an entry in ClinVar:

NM_001127222.2(CACNA1A):c.5876T>C (p.Met1959Thr)

Gene: CACNA1A (calcium voltage-gated channel subunit alpha1 A; minus strand). Cytogenetic location: 19p13.13.
Variant type: single nucleotide variant.
Coding change: c.5876T>C on transcript NM_001127222.2 (MANE Select); coding-DNA position 5876, T replaced by C.
Protein change: p.Met1959Thr; replaces methionine 1959 with threonine.
Molecular consequence: missense variant.
Genome position (GRCh38, 1-based): chr19:13,214,297, A>G on the plus strand (T>C on the coding strand, the complement: CACNA1A is on the minus strand). VCF-style: chr19-13214297-A-G. GRCh37 (hg19) VCF-style: chr19-13325111-A-G.
Other names: c.5894T>C, p.Met1965Thr (NM_000068.4, NM_023035.3); c.5879T>C, p.Met1960Thr (NM_001127221.2); c.5885T>C, p.Met1962Thr (NM_001174080.2); short protein forms M1959T, M1960T, M1965T, M1962T.
Identifiers: ClinVar variation 1465061 (VCV001465061.6), dbSNP rs763611434, ClinGen allele CA9239550.

ClinVar aggregate classification (germline): Uncertain significance (1 of 4 stars; one submission).

Conditions:
Developmental and epileptic encephalopathy, 42 (DEE42A). Also called: DEVELOPMENTAL AND EPILEPTIC ENCEPHALOPATHY 42A; EPILEPTIC ENCEPHALOPATHY, EARLY INFANTILE, 42A; Epileptic encephalopathy, early infantile, 42. Identifiers: MedGen C4310716, MONDO:0014917, OMIM 617106.
Episodic ataxia type 2 (EA2). Also called: ATAXIA, EPISODIC, WITH NYSTAGMUS; ATAXIA, FAMILIAL PAROXYSMAL; CEREBELLAR ATAXIA, PAROXYSMAL, ACETAZOLAMIDE-RESPONSIVE; CEREBELLOPATHY, HEREDITARY PAROXYSMAL; EPISODIC ATAXIA, NYSTAGMUS-ASSOCIATED; ACETAZOLAMIDE-RESPONSIVE HEREDITARY PAROXYSMAL CEREBELLAR ATAXIA. Identifiers: Orphanet 97, MedGen C1720416, MONDO:0007163, OMIM 108500.

Allele frequency attached by ClinVar (database versions not stated): gnomAD exomes below 0.00001; ExAC 0.00001.

Submission:

Labcorp Genetics (formerly Invitae), Labcorp
Classification: Uncertain significance for Developmental and epileptic encephalopathy, 42; Episodic ataxia type 2. Last evaluated: 2025-08-21. Review status: criteria provided, single submitter. Criteria: Invitae Variant Classification Sherloc (09022015). Collection method: clinical testing. Allele origin: germline.
Comment: This sequence change replaces methionine, which is neutral and non-polar, with threonine, which is neutral and polar, at codon 1960 of the CACNA1A protein (p.Met1960Thr). This variant is present in population databases (rs763611434, gnomAD 0.0009%). This variant has not been reported in the literature in individuals affected with CACNA1A-related conditions. ClinVar contains an entry for this variant (Variation ID: 1465061). Invitae Evidence Modeling of protein sequence and biophysical properties (such as structural, functional, and spatial information, amino acid conservation, physicochemical variation, residue mobility, and thermodynamic stability) indicates that this missense variant is not expected to disrupt CACNA1A protein function with a negative predictive value of 95%. In summary, the available evidence is currently insufficient to determine the role of this variant in disease. Therefore, it has been classified as a Variant of Uncertain Significance.